The following is an entry in ClinVar:

ClinVar aggregate classification (germline): Pathogenic. Review status: criteria provided, multiple submitters, no conflicts (2 of 4 stars). 3 submissions from 3 submitters: Pathogenic (2). 1 of the submissions does not count toward it. Last evaluated 2025-04-28.

Conditions:
Hyperlipidemia, familial combined, LPL related (FCHL3). Also called: Hyperapobetalipoproteinemia. Identifiers: MedGen C0020474, MONDO:0007759, OMIM 144250, HP:0008158.
Hyperlipoproteinemia, type I. Also called: Lipoprotein Lipase Deficiency; Lipase D deficiency; Familial Lipoprotein Lipase Deficiency; Hyperlipoproteinemia type 1; Hyperchylomicro-nemia familial; Familial chylomicronemia. Identifiers: Orphanet 309015, Orphanet 444490, MedGen C0023817, MONDO:0009387, OMIM 238600. Disease mechanism: loss of function.

Submissions (3):

Natera, Inc.
Classification: Pathogenic for Lipoprotein lipase deficiency. Last evaluated: 2025-04-28. Review status: criteria provided, single submitter. Criteria: Natera Variant Classification Schema (03/2026). Collection method: clinical testing. Allele origin: germline.
Comment: The c.1227G>A variant in LPL is a nonsense variant predicted to introduce a stop codon at amino acid 409. This variant is expected to result in nonsense mediated decay, truncation, or a dysfunctional protein product. This variant is rare in the general population with a frequency below the threshold expected for the associated phenotype(s). This variant has been observed in one or more individuals affected with the associated recessive disease, as either homozygous or compound heterozygous with a second variant (PMID: 35820489). Given the available evidence, this variant is classified as Pathogenic.

Fulgent Genetics
Classification: Pathogenic for Hyperlipidemia, familial combined, LPL related; Hyperlipoproteinemia, type I. Last evaluated: 2021-10-27. Review status: criteria provided, single submitter. Criteria: ACMG Guidelines, 2015. Collection method: clinical testing. Allele origin: unknown.

OMIM
Classification: Pathogenic for LIPOPROTEIN LIPASE DEFICIENCY. Last evaluated: 1991-12-01. Review status: no assertion criteria provided. Collection method: literature only. Allele origin: germline. Not counted in ClinVar's aggregate classification.

Literature cited by the submitters: PubMed 35820489 (cited by Natera, Inc.); PubMed 1752947 (cited by OMIM).

NM_000237.3(LPL):c.1227G>A (p.Trp409Ter)

Gene: LPL (lipoprotein lipase; plus strand). Cytogenetic location: 8p21.3.
Variant type: single nucleotide variant.
Coding change: c.1227G>A on transcript NM_000237.3 (MANE Select); coding-DNA position 1227, G replaced by A.
Protein change: p.Trp409Ter; replaces tryptophan 409 with a stop codon.
Molecular consequence: nonsense.
Genome position (GRCh38, 1-based): chr8:19,960,988, G>A. VCF-style: chr8-19960988-G-A. GRCh37 (hg19) VCF-style: chr8-19818499-G-A.
Other names: W382*; c.1227G>A (NM_000237.2); short protein forms W409*.
Identifiers: ClinVar variation 1537 (VCV000001537.4), dbSNP rs118204066, ClinGen allele CA251875.
Genomic context (GRCh38, chr8:19,960,988, plus strand): 5'-CTCCTTCCTAATTTACACAGAGGTAGATATTGGAGAACTACTCATGTTGAAGCTCAAATG[G>A]AAGAGTGATTCATACTTTAGCTGGTCAGACTGGTGGAGCAGTCCCGGCTTCGCCATTCAG-3'